The following is an entry in ClinVar:

ClinVar aggregate classification (germline): Benign/Likely benign. Review status: criteria provided, multiple submitters, no conflicts (2 of 4 stars). 5 submissions from 5 submitters: Benign (1); Likely benign (2). 2 of the submissions do not count toward it. Last evaluated 2023-03-01.

Conditions:
ECEL1-related disorder. Also called: ECEL1-related condition.

Allele frequency attached by ClinVar (database versions not stated): 1000 Genomes Project 0.00260; ESP Exome Variant Server 0.00332; 1000 Genomes Project 30x 0.00344; gnomAD 0.00472; TOPMed 0.00554; ExAC 0.01802.
gnomAD v4.1: 12,338 of 1,502,442 alleles (0.82%); highest among the groups gnomAD compares: Non-Finnish European, 0.98%; 66 homozygotes.

Submissions (7):

CeGaT Center for Human Genetics Tuebingen
Classification: Likely benign. Last evaluated: 2023-03-01. Review status: criteria provided, single submitter. Criteria: CeGaT Center For Human Genetics Tuebingen Variant Classification Criteria Version 2. Collection method: clinical testing. Allele origin: germline. Affected: yes. Observed: 3 variant alleles.
Comment: ECEL1: BS2

GeneDx
Classification: Benign. Last evaluated: 2021-03-26. Review status: criteria provided, single submitter. Criteria: GeneDx Variant Classification Process June 2021. Collection method: clinical testing. Allele origin: germline. Affected: yes.

Breakthrough Genomics
Classification: Likely benign. Review status: criteria provided, single submitter. Criteria: ACMG Guidelines, 2015. Collection method: not provided. Allele origin: germline. Inheritance: Autosomal recessive inheritance. Affected: yes.

PreventionGenetics, part of Exact Sciences
Classification: Benign for ECEL1-related condition. Last evaluated: 2022-03-31. Review status: no assertion criteria provided. Collection method: clinical testing. Allele origin: germline. Not counted in ClinVar's aggregate classification.
Comment: This variant is classified as benign based on ACMG/AMP sequence variant interpretation guidelines (Richards et al. 2015 PMID: 25741868, with internal and published modifications).

Dr. Peter K. Rogan Lab, Western University
No classification provided (evidence only). Condition: Uterine carcinosarcoma. Review status: no classification provided. Collection method: in vitro. Allele origin: not applicable. Functional consequence: retained intron. Not counted in ClinVar's aggregate classification.

Dr. Peter K. Rogan Lab, Western University
No classification provided (evidence only). Condition: Lymphoma. Review status: no classification provided. Collection method: in vitro. Allele origin: not applicable. Functional consequence: retained intron. Not counted in ClinVar's aggregate classification.

Genetic Services Laboratory, University of Chicago
Classification: Likely benign for AllHighlyPenetrant. Review status: no assertion criteria provided. Collection method: clinical testing. Allele origin: germline. Inheritance: Autosomal recessive inheritance. Not counted in ClinVar's aggregate classification.
Comment: Likely benign based on allele frequency in 1000 Genomes Project or ESP global frequency and its presence in a patient with a rare or unrelated disease phenotype. NOT Sanger confirmed.

NM_004826.4(ECEL1):c.51C>A (p.Val17=)

Gene: ECEL1 (endothelin converting enzyme like 1; minus strand). Cytogenetic location: 2q37.1.
Variant type: single nucleotide variant.
Coding change: c.51C>A on transcript NM_004826.4 (MANE Select); coding-DNA position 51, C replaced by A.
Protein change: p.Val17=; no amino-acid change (valine 17 retained).
Molecular consequence: synonymous variant.
Genome position (GRCh38, 1-based): chr2:232,486,603, G>T on the plus strand (C>A on the coding strand, the complement: ECEL1 is on the minus strand). VCF-style: chr2-232486603-G-T. GRCh37 (hg19) VCF-style: chr2-233351313-G-T.
Other names: NC_000002.11:g.233351313G>T; c.51C>A, p.Val17= (NM_001290787.2); c.51C>A (NM_004826.3).
Identifiers: ClinVar variation 128955 (VCV000128955.46), dbSNP rs191331240, ClinGen allele CA152680.
Genomic context (GRCh38, chr2:232,486,603, plus strand): 5'-GAAGCCCGGGGGCAGGGAGGCCCCGCGCGCGCCCCCCGCGCCGCAGCGGCTCACGTACTT[G>T]ACCTCTTGGAACTCATCGTAGTGCGCCGTCAGCGAATACGGGGGCTCCATGGCGCCGAGG-3'
Protein context (NP_004817.2, residues 7-27): LTAHYDEFQE[Val17=]KYVSRCGAGG